The following is an entry in ClinVar:

ClinVar aggregate classification (germline): Uncertain significance (1 of 4 stars; one submission).

Conditions:
Hereditary cancer-predisposing syndrome. Also called: Tumor predisposition; Hereditary neoplastic syndrome; Neoplastic Syndromes, Hereditary; Hereditary Cancer Syndrome. Identifiers: Orphanet 140162, MedGen C0027672, MeSH D009386, MONDO:0015356.

gnomAD v4.1: 1 of 1,563,514 alleles (0.000064%); highest among the groups gnomAD compares: Non-Finnish European, 0.000086%; no homozygotes.

Submission:

Ambry Genetics
Classification: Uncertain significance for Hereditary cancer-predisposing syndrome. Last evaluated: 2025-06-14. Review status: criteria provided, single submitter. Criteria: Ambry Variant Classification Scheme 2023. Collection method: clinical testing. Allele origin: germline.
Comment: The p.P4Q variant (also known as c.11C>A), located in coding exon 1 of the EPCAM gene, results from a C to A substitution at nucleotide position 11. The proline at codon 4 is replaced by glutamine, an amino acid with similar properties. This amino acid position is conserved. In addition, this alteration is predicted to be tolerated by in silico analysis. Based on the available evidence, the clinical significance of this variant remains unclear.

NM_002354.3(EPCAM):c.11C>A (p.Pro4Gln)

Gene: EPCAM (epithelial cell adhesion molecule; plus strand). Cytogenetic location: 2p21.
Variant type: single nucleotide variant.
Coding change: c.11C>A on transcript NM_002354.3 (MANE Select); coding-DNA position 11, C replaced by A.
Protein change: p.Pro4Gln; replaces proline 4 with glutamine.
Molecular consequence: missense variant.
Genome position (GRCh38, 1-based): chr2:47,369,516, C>A. VCF-style: chr2-47369516-C-A. GRCh37 (hg19) VCF-style: chr2-47596655-C-A.
Other names: short protein forms P4Q.
Identifiers: ClinVar variation 4018555 (VCV004018555.1).
Genomic context (GRCh38, chr2:47,369,516, plus strand): 5'-CCGCGAGTCCCGGGCCCCTCCCGCGCCCCTCTTCTCGGCGCGCGCGCAGCATGGCGCCCC[C>A]GCAGGTCCTCGCGTTCGGGCTTCTGCTTGCCGCGGCGACGGCGACTTTTGCCGCAGCTCA-3'
Protein context (NP_002345.2, residues 1-14): MAP[Pro4Gln]QVLAFGLLLA